The following is an entry in ClinVar:

ClinVar aggregate classification (germline): Uncertain significance (1 of 4 stars; one submission).

Submission:

Labcorp Genetics (formerly Invitae), Labcorp
Classification: Uncertain significance. Last evaluated: 2022-01-04. Review status: criteria provided, single submitter. Criteria: Invitae Variant Classification Sherloc (09022015). Collection method: clinical testing. Allele origin: germline.
Comment: In summary, the available evidence is currently insufficient to determine the role of this variant in disease. Therefore, it has been classified as a Variant of Uncertain Significance. Algorithms developed to predict the effect of missense changes on protein structure and function are either unavailable or do not agree on the potential impact of this missense change (SIFT: "Tolerated"; PolyPhen-2: "Probably Damaging"; Align-GVGD: "Class C0"). This variant has not been reported in the literature in individuals affected with TCIRG1-related conditions. This variant is not present in population databases (gnomAD no frequency). This sequence change replaces phenylalanine, which is neutral and non-polar, with leucine, which is neutral and non-polar, at codon 825 of the TCIRG1 protein (p.Phe825Leu).

NM_006019.4(TCIRG1):c.2475C>G (p.Phe825Leu)

Gene: TCIRG1 (T cell immune regulator 1, ATPase H+ transporting V0 subunit a3; plus strand). Cytogenetic location: 11q13.2.
Variant type: single nucleotide variant.
Coding change: c.2475C>G on transcript NM_006019.4 (MANE Select); coding-DNA position 2475, C replaced by G.
Protein change: p.Phe825Leu; replaces phenylalanine 825 with leucine.
Molecular consequence: missense variant.
Genome position (GRCh38, 1-based): chr11:68,050,801, C>G. VCF-style: chr11-68050801-C-G. GRCh37 (hg19) VCF-style: chr11-67818268-C-G.
Other names: c.1581C>G, p.Phe527Leu (NM_001351059.2); c.1827C>G, p.Phe609Leu (NM_006053.4); short protein forms F527L, F609L, F825L.
Identifiers: ClinVar variation 2074390 (VCV002074390.4), dbSNP rs886048602, ClinGen allele CA381593153.